The following is an entry in ClinVar:

NM_006904.7(PRKDC):c.11877G>A (p.Met3959Ile)

Gene: PRKDC (protein kinase, DNA-activated, catalytic subunit; minus strand). Cytogenetic location: 8q11.21.
Variant type: single nucleotide variant.
Coding change: c.11877G>A on transcript NM_006904.7 (MANE Select); coding-DNA position 11877, G replaced by A.
Protein change: p.Met3959Ile; replaces methionine 3959 with isoleucine.
Molecular consequence: missense variant.
Genome position (GRCh38, 1-based): chr8:47,777,851, C>T on the plus strand (G>A on the coding strand, the complement: PRKDC is on the minus strand). VCF-style: chr8-47777851-C-T. GRCh37 (hg19) VCF-style: chr8-48690412-C-T.
Other names: c.11784G>A, p.Met3928Ile (NM_001081640.2); short protein forms M3928I, M3959I.
Identifiers: ClinVar variation 1429582 (VCV001429582.6), dbSNP rs2154497307, ClinGen allele CA371128358.

ClinVar aggregate classification (germline): Uncertain significance (1 of 4 stars; one submission).

Conditions:
Severe combined immunodeficiency due to DNA-PKcs deficiency. Also called: IMMUNODEFICIENCY 26 WITH NEUROLOGIC ABNORMALITIES; Immunodeficiency 26 with or without neurologic abnormalities. Identifiers: Orphanet 317425, MedGen C4014833, MONDO:0014423, OMIM 615966.

gnomAD v4.1: 1 of 1,613,958 alleles (0.000062%); highest among the groups gnomAD compares: Non-Finnish European, 0.000085%; no homozygotes.

Submission:

Labcorp Genetics (formerly Invitae), Labcorp
Classification: Uncertain significance for Severe combined immunodeficiency due to DNA-PKcs deficiency. Last evaluated: 2021-04-28. Review status: criteria provided, single submitter. Criteria: Invitae Variant Classification Sherloc (09022015). Collection method: clinical testing. Allele origin: germline.
Comment: This sequence change replaces methionine with isoleucine at codon 3959 of the PRKDC protein (p.Met3959Ile). The methionine residue is moderately conserved and there is a small physicochemical difference between methionine and isoleucine. This variant is not present in population databases (ExAC no frequency). This variant has not been reported in the literature in individuals with PRKDC-related conditions. Experimental studies and prediction algorithms are not available or were not evaluated, and the functional significance of this variant is currently unknown. In summary, the available evidence is currently insufficient to determine the role of this variant in disease. Therefore, it has been classified as a Variant of Uncertain Significance.